The following is an entry in ClinVar:

NM_004484.4(GPC3):c.141dup (p.Gly48fs)

Gene: GPC3 (glypican 3; minus strand). Cytogenetic location: Xq26.2.
Variant type: Duplication.
Coding change: c.141dup on transcript NM_004484.4 (MANE Select); coding-DNA position 141, one base duplicated (C; older notation c.141dupC).
Protein change: p.Gly48fs; shifts the reading frame from glycine 48.
Molecular consequence: frameshift variant.
Genome position (GRCh38, 1-based): chrX:133,985,309, G duplicated on the plus strand (C on the coding strand, the reverse complement: GPC3 is on the minus strand); the first of 3 consecutive G bases (chrX:133,985,309-133,985,311); duplicating any one gives the same sequence. VCF-style (leftmost placement, unchanged base first): chrX-133985308-C-CG. GRCh37 (hg19) VCF-style: chrX-133119335-C-CG.
Other names: c.141dup, p.Gly48fs (NM_001164617.2, NM_001164618.2, NM_001164619.2); short protein forms G48fs.
Identifiers: ClinVar variation 4729743 (VCV004729743.1).

ClinVar aggregate classification (germline): Pathogenic (1 of 4 stars; one submission).

Conditions:
Wilms tumor 1 (WT1). Also called: Wilms tumor, somatic. Identifiers: Orphanet 654, MedGen CN033288, MONDO:0008679, OMIM 194070.

Submission:

Labcorp Genetics (formerly Invitae), Labcorp
Classification: Pathogenic for Wilms tumor 1. Last evaluated: 2025-11-27. Review status: criteria provided, single submitter. Criteria: Invitae Variant Classification Sherloc (09022015). Collection method: clinical testing. Allele origin: germline.
Comment: This sequence change creates a premature translational stop signal (p.Gly48Argfs*21) in the GPC3 gene. It is expected to result in an absent or disrupted protein product. Loss-of-function variants in GPC3 are known to be pathogenic (PMID: 10402475, 12713262, 17603795). This variant is not present in population databases (gnomAD no frequency). This variant has not been reported in the literature in individuals affected with GPC3-related conditions. For these reasons, this variant has been classified as Pathogenic.

Literature cited by the submitters: PubMed 10402475; PubMed 12713262; PubMed 17603795.